The following is an entry in ClinVar:

ClinVar aggregate classification (germline): Pathogenic (1 of 4 stars; one submission).

Conditions:
Combined malonic and methylmalonic acidemia. Identifiers: Orphanet 289504, MedGen C3280314, MONDO:0013661, OMIM 614265.

Submission:

Labcorp Genetics (formerly Invitae), Labcorp
Classification: Pathogenic for Combined malonic and methylmalonic acidemia. Last evaluated: 2021-08-14. Review status: criteria provided, single submitter. Criteria: Invitae Variant Classification Sherloc (09022015). Collection method: clinical testing. Allele origin: germline.
Comment: This variant is a gross deletion of the genomic region encompassing exon(s) 2-11 of the ACSF3 gene, which includes the initiator codon. This deletion extends beyond the assayed region for this gene and therefore may encompass additional genes. It is expected to result in an absent or disrupted protein product. Loss-of-function variants in ACSF3 are known to be pathogenic (PMID: 21841779, 26827111). This variant has not been reported in the literature in individuals affected with ACSF3-related conditions. For these reasons, this variant has been classified as Pathogenic.

Literature cited by the submitters: PubMed 21841779; PubMed 26827111.

NC_000016.9:g.(?_89164989)_(89222264_?)del

Gene: ACSF3 (acyl-CoA synthetase family member 3; plus strand). Cytogenetic location: 16q24.3.
Variant type: Deletion.
Identifiers: ClinVar variation 1441215 (VCV001441215.4).